The following is an entry in ClinVar:

ClinVar aggregate classification (germline): Conflicting classifications of pathogenicity. Review status: criteria provided, conflicting classifications (1 of 4 stars). 3 submissions from 3 submitters: Uncertain significance (1); Likely benign (1). 1 of the submissions does not count toward it. Last evaluated 2021-08-24.

Conditions:
MPO-related disorder. Also called: MPO-related condition.

Allele frequency attached by ClinVar (database versions not stated): 1000 Genomes Project 30x 0.00047; 1000 Genomes Project 0.00060; ESP Exome Variant Server 0.00069; gnomAD 0.00085 and 0.00088; TOPMed 0.00093; gnomAD exomes 0.00127 and 0.00140; ExAC 0.00182.
gnomAD v4.1: 1,996 of 1,614,166 alleles (0.12%); highest among the groups gnomAD compares: Non-Finnish European, 0.15%; 2 homozygotes.

Submissions (3):

Mayo Clinic Laboratories, Mayo Clinic
Classification: Uncertain significance. Last evaluated: 2021-08-24. Review status: criteria provided, single submitter. Criteria: ACMG Guidelines, 2015. Collection method: clinical testing. Allele origin: germline.

Labcorp Genetics (formerly Invitae), Labcorp
Classification: Likely benign. Last evaluated: 2018-06-08. Review status: criteria provided, single submitter. Criteria: Invitae Variant Classification Sherloc (09022015). Collection method: clinical testing. Allele origin: germline.

PreventionGenetics, part of Exact Sciences
Classification: Likely benign for MPO-related condition. Last evaluated: 2022-04-05. Review status: no assertion criteria provided. Collection method: clinical testing. Allele origin: germline. Not counted in ClinVar's aggregate classification.
Comment: This variant is classified as likely benign based on ACMG/AMP sequence variant interpretation guidelines (Richards et al. 2015 PMID: 25741868, with internal and published modifications).

NM_000250.2(MPO):c.1379G>A (p.Arg460Gln)

Genes: MPO (myeloperoxidase; minus strand), LOC106694316 (enhancer region in introns 7-9 of MPO; plus strand). Cytogenetic location: 17q22.
Variant type: single nucleotide variant.
Coding change: c.1379G>A on transcript NM_000250.2 (MANE Select); coding-DNA position 1379, G replaced by A.
Protein change: p.Arg460Gln; replaces arginine 460 with glutamine.
Molecular consequence: missense variant.
Genome position (GRCh38, 1-based): chr17:58,273,656, C>T on the plus strand (G>A on the coding strand, the complement: MPO is on the minus strand). VCF-style: chr17-58273656-C-T. GRCh37 (hg19) VCF-style: chr17-56351017-C-T.
Other names: p.Arg460Gln; short protein forms R460Q.
Identifiers: ClinVar variation 718104 (VCV000718104.9), dbSNP rs149133270, ClinGen allele CA8670649.
Genomic context (GRCh38, chr17:58,273,656, plus strand): 5'-CGGTACGTGGGCAGGTACTTCCTCATGGCCGTTGGCCCCAGCACCAGGGGCAGGTAGTCC[C>T]GGTAAGTGATGATCTAAAGACAAGTCATTTGGAATGGCCTCTCCACCCACTCCTCCACAG-3'
Protein context (NP_000241.1, residues 450-470): VGAMVQIITY[Arg460Gln]DYLPLVLGPT